The following is an entry in ClinVar:

NM_001367624.2(ZNF469):c.6200C>T (p.Ala2067Val)

Gene: ZNF469 (zinc finger protein 469; plus strand). Cytogenetic location: 16q24.2.
Variant type: single nucleotide variant.
Coding change: c.6200C>T on transcript NM_001367624.2 (MANE Select); coding-DNA position 6200, C replaced by T.
Protein change: p.Ala2067Val; replaces alanine 2067 with valine.
Molecular consequence: missense variant.
Genome position (GRCh38, 1-based): chr16:88,433,670, C>T. VCF-style: chr16-88433670-C-T. GRCh37 (hg19) VCF-style: chr16-88500078-C-T.
Other names: NM_001127464.1:c.6116C>T; short protein forms A2067V.
Identifiers: ClinVar variation 1751698 (VCV001751698.4), dbSNP rs1453934715, ClinGen allele CA397104685.

ClinVar aggregate classification (germline): Conflicting classifications of pathogenicity. Review status: criteria provided, conflicting classifications (1 of 4 stars). 2 submissions from 2 submitters: Uncertain significance (1); Likely benign (1). Last evaluated 2021-12-26.

Conditions:
Cardiovascular phenotype. Identifiers: MedGen CN230736.

Allele frequency attached by ClinVar (database versions not stated): gnomAD exomes 0.00001; TOPMed 0.00001.
gnomAD v4.1: 15 of 1,549,868 alleles (0.00097%); highest among the groups gnomAD compares: Middle Eastern, 0.017%; no homozygotes.

Submissions (2):

Labcorp Genetics (formerly Invitae), Labcorp
Classification: Uncertain significance. Last evaluated: 2021-12-26. Review status: criteria provided, single submitter. Criteria: Invitae Variant Classification Sherloc (09022015). Collection method: clinical testing. Allele origin: germline.
Comment: This sequence change replaces alanine, which is neutral and non-polar, with valine, which is neutral and non-polar, at codon 2039 of the ZNF469 protein (p.Ala2039Val). This variant is present in population databases (no rsID available, gnomAD 0.004%). This variant has not been reported in the literature in individuals affected with ZNF469-related conditions. Algorithms developed to predict the effect of missense changes on protein structure and function output the following: SIFT: "Tolerated"; PolyPhen-2: "Benign"; Align-GVGD: "Class C0". The valine amino acid residue is found in multiple mammalian species, which suggests that this missense change does not adversely affect protein function. In summary, the available evidence is currently insufficient to determine the role of this variant in disease. Therefore, it has been classified as a Variant of Uncertain Significance.

Ambry Genetics
Classification: Likely benign for Cardiovascular phenotype. Last evaluated: 2021-06-14. Review status: criteria provided, single submitter. Criteria: Ambry Variant Classification Scheme 2023. Collection method: clinical testing. Allele origin: germline.